The following is an entry in ClinVar:

NM_000289.6(PFKM):c.1401T>C (p.Leu467=)

Gene: PFKM (phosphofructokinase, muscle; plus strand). Cytogenetic location: 12q13.11.
Variant type: single nucleotide variant.
Coding change: c.1401T>C on transcript NM_000289.6 (MANE Select); coding-DNA position 1401, T replaced by C.
Protein change: p.Leu467=; no amino-acid change (leucine 467 retained).
Molecular consequence: synonymous variant. On other transcripts: non-coding transcript variant (6).
Genome position (GRCh38, 1-based): chr12:48,141,370, T>C. VCF-style: chr12-48141370-T-C. GRCh37 (hg19) VCF-style: chr12-48535153-T-C.
Other names: c.1614T>C, p.Leu538= (NM_001166686.2, NM_001354737.1, NM_001354738.1 and 1 more transcripts); c.1401T>C, p.Leu467= (NM_001166687.2, NM_001166688.2, NM_001354742.2 and 2 more transcripts); c.1710T>C, p.Leu570= (NM_001354735.1, NM_001354736.1); c.1545T>C, p.Leu515= (NM_001354740.1); c.1425T>C, p.Leu475= (NM_001354741.2); c.1314T>C, p.Leu438= (NM_001354745.2); c.1275T>C, p.Leu425= (NM_001354746.2); c.1251T>C, p.Leu417= (NM_001354747.2, NM_001354748.2); and 1 more.
Identifiers: ClinVar variation 387065 (VCV000387065.16), dbSNP rs554664722, ClinGen allele CA6537336.

ClinVar aggregate classification (germline): Benign/Likely benign. Review status: criteria provided, multiple submitters, no conflicts (2 of 4 stars). 5 submissions from 5 submitters: Benign (1); Likely benign (3). 1 of the submissions does not count toward it. Last evaluated 2026-07-01.

Conditions:
PFKM-related disorder. Also called: PFKM-related condition.
Glycogen storage disease, type VII (GSD7). Also called: PFKM DEFICIENCY; TARUI DISEASE; GSD VII; MUSCLE PHOSPHOFRUCTOKINASE DEFICIENCY. Identifiers: Orphanet 371, MedGen C0017926, MONDO:0009295, OMIM 232800.

Allele frequency attached by ClinVar (database versions not stated): gnomAD 0.00001 and 0.00010; TOPMed 0.00002; gnomAD exomes 0.00017 and 0.00034; ExAC 0.00043; 1000 Genomes Project 30x 0.00078; 1000 Genomes Project 0.00100.
gnomAD v4.1: 266 of 1,614,050 alleles (0.016%); highest among the groups gnomAD compares: South Asian, 0.28%; 5 homozygotes.

Submissions (5):

CeGaT Center for Human Genetics Tuebingen
Classification: Likely benign. Last evaluated: 2026-07-01. Review status: criteria provided, single submitter. Criteria: CeGaT Center For Human Genetics Tuebingen Variant Classification Criteria Version 2. Collection method: clinical testing. Allele origin: germline. Affected: yes. Observed: 1 variant allele.
Comment: PFKM: BP4, BP7

Labcorp Genetics (formerly Invitae), Labcorp
Classification: Benign for Glycogen storage disease, type VII. Last evaluated: 2026-01-25. Review status: criteria provided, single submitter. Criteria: Invitae Variant Classification Sherloc (09022015). Collection method: clinical testing. Allele origin: germline.

Blueprint Genetics
Classification: Likely benign. Last evaluated: 2022-11-17. Review status: criteria provided, single submitter. Criteria: ACMG Guidelines, 2015. Collection method: clinical testing. Allele origin: germline.

GeneDx
Classification: Likely benign. Last evaluated: 2016-07-06. Review status: criteria provided, single submitter. Criteria: GeneDx Variant Classification (06012015). Collection method: clinical testing. Allele origin: germline. Affected: yes.
Comment: This variant is considered likely benign or benign based on one or more of the following criteria: it is a conservative change, it occurs at a poorly conserved position in the protein, it is predicted to be benign by multiple in silico algorithms, and/or has population frequency not consistent with disease.

PreventionGenetics, part of Exact Sciences
Classification: Likely benign for PFKM-related condition. Last evaluated: 2019-05-07. Review status: no assertion criteria provided. Collection method: clinical testing. Allele origin: germline. Not counted in ClinVar's aggregate classification.
Comment: This variant is classified as likely benign based on ACMG/AMP sequence variant interpretation guidelines (Richards et al. 2015 PMID: 25741868, with internal and published modifications).